The following is an entry in ClinVar:

NM_006514.4(SCN10A):c.1415A>T (p.Glu472Val)

Gene: SCN10A (sodium voltage-gated channel alpha subunit 10; minus strand). Cytogenetic location: 3p22.2.
Variant type: single nucleotide variant.
Coding change: c.1415A>T on transcript NM_006514.4 (MANE Select); coding-DNA position 1415, A replaced by T.
Protein change: p.Glu472Val; replaces glutamic acid 472 with valine.
Molecular consequence: missense variant.
Genome position (GRCh38, 1-based): chr3:38,755,834, T>A on the plus strand (A>T on the coding strand, the complement: SCN10A is on the minus strand). VCF-style: chr3-38755834-T-A. GRCh37 (hg19) VCF-style: chr3-38797325-T-A.
Other names: c.1415A>T, p.Glu472Val (NM_001293306.2, NM_001293307.2); short protein forms E472V.
Identifiers: ClinVar variation 3225617 (VCV003225617.1), dbSNP rs767602286, ClinGen allele CA2320876.

ClinVar aggregate classification (germline): Uncertain significance (1 of 4 stars; one submission).

Conditions:
Cardiovascular phenotype. Identifiers: MedGen CN230736.

Allele frequency attached by ClinVar (database versions not stated): gnomAD exomes below 0.00001; ExAC 0.00001; gnomAD 0.00001; TOPMed 0.00001.
gnomAD v4.1: 3 of 1,614,034 alleles (0.00019%); highest among the groups gnomAD compares: African/African-American, 0.0027%; no homozygotes.

Submission:

Ambry Genetics
Classification: Uncertain significance for Cardiovascular phenotype. Last evaluated: 2024-01-14. Review status: criteria provided, single submitter. Criteria: Ambry Variant Classification Scheme 2023. Collection method: clinical testing. Allele origin: germline.
Comment: The p.E472V variant (also known as c.1415A>T), located in coding exon 10 of the SCN10A gene, results from an A to T substitution at nucleotide position 1415. The glutamic acid at codon 472 is replaced by valine, an amino acid with dissimilar properties. This amino acid position is conserved. In addition, the in silico prediction for this alteration is inconclusive. Since supporting evidence is limited at this time, the clinical significance of this alteration remains unclear.